The following is an entry in ClinVar:

ClinVar aggregate classification (germline): Uncertain significance (1 of 4 stars; one submission).

Submission:

Ambry Genetics
Classification: Uncertain significance. Last evaluated: 2025-08-08. Review status: criteria provided, single submitter. Criteria: Ambry Variant Classification Scheme 2023. Collection method: clinical testing. Allele origin: germline.
Comment: The p.M30I variant (also known as c.90G>A), located in coding exon 1 of the KIF1B gene, results from a G to A substitution at nucleotide position 90. The methionine at codon 30 is replaced by isoleucine, an amino acid with highly similar properties. This amino acid position is conserved. In addition, this alteration is predicted to be deleterious by in silico analysis. Based on the available evidence, the clinical significance of this variant remains unclear.

NM_001365951.3(KIF1B):c.90G>A (p.Met30Ile)

Genes: KIF1B (kinesin family member 1B; plus strand), LOC129388446 (MPRA-validated peak64 silencer; plus strand). Cytogenetic location: 1p36.22.
Variant type: single nucleotide variant.
Coding change: c.90G>A on transcript NM_001365951.3 (MANE Select); coding-DNA position 90, G replaced by A.
Protein change: p.Met30Ile; replaces methionine 30 with isoleucine.
Molecular consequence: missense variant.
Genome position (GRCh38, 1-based): chr1:10,232,418, G>A. VCF-style: chr1-10232418-G-A. GRCh37 (hg19) VCF-style: chr1-10292476-G-A.
Other names: c.90G>A, p.Met30Ile (NM_001365952.1, NM_001365953.1, NM_015074.3 and 1 more transcripts); short protein forms M30I.
Identifiers: ClinVar variation 4092360 (VCV004092360.1).
Genomic context (GRCh38, chr1:10,232,418, plus strand): 5'-CCGGGTAAGGCCCTTCAATTCTCGAGAGACCAGCAAGGAATCCAAATGCATCATTCAGAT[G>A]CAAGGCAACTCGACCAGTGAGTACATGTTGTTTTCTCTCAGCTGTGTATCTTACTTTCCT-3'
Protein context (NP_001352880.1, residues 20-40): TSKESKCIIQ[Met30Ile]QGNSTSIINP